The following is an entry in ClinVar:

ClinVar aggregate classification (germline): Benign/Likely benign. Review status: criteria provided, multiple submitters, no conflicts (2 of 4 stars). 7 submissions from 7 submitters: Benign (5); Likely benign (2). Last evaluated 2026-03-30.

Conditions:
Autoinflammation-PLCG2-associated antibody deficiency-immune dysregulation. Also called: AUTOINFLAMMATION, ANTIBODY DEFICIENCY, AND IMMUNE DYSREGULATION; Autoinflammation, antibody deficiency, and immune dysregulation syndrome; Autoinflammation, antibody deficiency, and immune dysregulation, plcg2-associated. Identifiers: Orphanet 324530, MedGen C3553961, MONDO:0013944, OMIM 614878.
Familial cold autoinflammatory syndrome 3 (FCAS3). Also called: ANTIBODY DEFICIENCY AND IMMUNE DYSREGULATION, PLCG2-ASSOCIATED; FAMILIAL ATYPICAL COLD URTICARIA. Identifiers: Orphanet 300359, MedGen C3280914, MONDO:0013766, OMIM 614468.

Allele frequency attached by ClinVar (database versions not stated): gnomAD exomes 0.00204; ExAC 0.00239; ESP Exome Variant Server 0.00812; gnomAD 0.00818 and 0.00884; 1000 Genomes Project 0.00819; 1000 Genomes Project 30x 0.00859; TOPMed 0.00890.
gnomAD v4.1: 2,483 of 1,604,366 alleles (0.15%); highest among the groups gnomAD compares: African/African-American, 2.8%; 36 homozygotes.

Submissions (7):

Women's Health and Genetics/Laboratory Corporation of America, LabCorp
Classification: Benign. Last evaluated: 2026-03-30. Review status: criteria provided, single submitter. Criteria: LabCorp Variant Classification Summary - May 2015. Collection method: clinical testing. Allele origin: germline.

Labcorp Genetics (formerly Invitae), Labcorp
Classification: Benign for Familial cold autoinflammatory syndrome 3. Last evaluated: 2026-01-27. Review status: criteria provided, single submitter. Criteria: Invitae Variant Classification Sherloc (09022015). Collection method: clinical testing. Allele origin: germline.

Blueprint Genetics
Classification: Likely benign. Last evaluated: 2024-11-25. Review status: criteria provided, single submitter. Criteria: ACMG Guidelines, 2015. Collection method: clinical testing. Allele origin: germline.

Mayo Clinic Laboratories, Mayo Clinic
Classification: Benign. Last evaluated: 2023-12-13. Review status: criteria provided, single submitter. Criteria: ACMG Guidelines, 2015. Collection method: clinical testing. Allele origin: germline. Observed: 14 variant alleles.
Comment: BS1, BS2, BP4, BP7

Fulgent Genetics
Classification: Likely benign for Familial cold autoinflammatory syndrome 3; Autoinflammation-PLCG2-associated antibody deficiency-immune dysregulation. Last evaluated: 2021-07-28. Review status: criteria provided, single submitter. Criteria: ACMG Guidelines, 2015. Collection method: clinical testing. Allele origin: unknown.

ARUP Laboratories, Molecular Genetics and Genomics, ARUP Laboratories
Classification: Benign. Last evaluated: 2019-05-02. Review status: criteria provided, single submitter. Criteria: ARUP Molecular Germline Variant Investigation Process. Collection method: clinical testing. Allele origin: germline.

Breakthrough Genomics
Classification: Benign. Review status: criteria provided, single submitter. Criteria: ACMG Guidelines, 2015. Collection method: not provided. Allele origin: germline. Inheritance: Autosomal dominant inheritance. Affected: yes.

NM_002661.5(PLCG2):c.2262C>T (p.Asp754=)

Gene: PLCG2 (phospholipase C gamma 2; plus strand). Cytogenetic location: 16q23.3.
Variant type: single nucleotide variant.
Coding change: c.2262C>T on transcript NM_002661.5 (MANE Select); coding-DNA position 2262, C replaced by T.
Protein change: p.Asp754=; no amino-acid change (aspartic acid 754 retained).
Molecular consequence: synonymous variant.
Genome position (GRCh38, 1-based): chr16:81,921,224, C>T. VCF-style: chr16-81921224-C-T. GRCh37 (hg19) VCF-style: chr16-81954829-C-T.
Other names: p.Asp754=.
Identifiers: ClinVar variation 472897 (VCV000472897.24), dbSNP rs74032923, ClinGen allele CA8194159.